The following is an entry in ClinVar:

NM_004260.4(RECQL4):c.2011C>T (p.Pro671Ser)

Gene: RECQL4 (RecQ like helicase 4; minus strand). Cytogenetic location: 8q24.3.
Variant type: single nucleotide variant.
Coding change: c.2011C>T on transcript NM_004260.4 (MANE Select); coding-DNA position 2011, C replaced by T.
Protein change: p.Pro671Ser; replaces proline 671 with serine.
Molecular consequence: missense variant.
Genome position (GRCh38, 1-based): chr8:144,513,975, G>A on the plus strand (C>T on the coding strand, the complement: RECQL4 is on the minus strand). VCF-style: chr8-144513975-G-A. GRCh37 (hg19) VCF-style: chr8-145739359-G-A.
Other names: short protein forms P671S.
Identifiers: ClinVar variation 641485 (VCV000641485.5), dbSNP rs1256215770, ClinGen allele CA372680314.

ClinVar aggregate classification (germline): Uncertain significance. Review status: criteria provided, multiple submitters, no conflicts (2 of 4 stars). 2 submissions from 2 submitters: Uncertain significance (2). Last evaluated 2025-03-20.

Conditions:
Baller-Gerold syndrome (BGS). Also called: CRANIOSYNOSTOSIS WITH RADIAL DEFECTS. Identifiers: Orphanet 1225, MedGen C0265308, MONDO:0009039, OMIM 218600.
Inborn genetic diseases. Identifiers: MedGen C0950123, MeSH D030342.

Allele frequency attached by ClinVar (database versions not stated): gnomAD exomes below 0.00001.
gnomAD v4.1: 6 of 1,564,324 alleles (0.00038%); highest among the groups gnomAD compares: Non-Finnish European, 0.00043%; no homozygotes.

Submissions (2):

Ambry Genetics
Classification: Uncertain significance for Inborn genetic diseases. Last evaluated: 2025-03-20. Review status: criteria provided, single submitter. Criteria: Ambry Variant Classification Scheme 2023. Collection method: clinical testing. Allele origin: germline.
Comment: The p.P671S variant (also known as c.2011C>T), located in coding exon 12 of the RECQL4 gene, results from a C to T substitution at nucleotide position 2011. The proline at codon 671 is replaced by serine, an amino acid with similar properties. This amino acid position is conserved. In addition, this alteration is predicted to be deleterious by in silico analysis. Based on the available evidence, the clinical significance of this variant remains unclear.

Labcorp Genetics (formerly Invitae), Labcorp
Classification: Uncertain significance for Baller-Gerold syndrome. Last evaluated: 2020-03-12. Review status: criteria provided, single submitter. Criteria: Invitae Variant Classification Sherloc (09022015). Collection method: clinical testing. Allele origin: germline.
Comment: This sequence change replaces proline with serine at codon 671 of the RECQL4 protein (p.Pro671Ser). The proline residue is highly conserved and there is a moderate physicochemical difference between proline and serine. This variant is not present in population databases (ExAC no frequency). This variant has not been reported in the literature in individuals with RECQL4-related conditions. Algorithms developed to predict the effect of missense changes on protein structure and function (SIFT, PolyPhen-2, Align-GVGD) all suggest that this variant is likely to be disruptive, but these predictions have not been confirmed by published functional studies and their clinical significance is uncertain. In summary, the available evidence is currently insufficient to determine the role of this variant in disease. Therefore, it has been classified as a Variant of Uncertain Significance.